The following is an entry in ClinVar:

NM_000179.3(MSH6):c.3988C>G (p.Leu1330Val)

Gene: MSH6 (mutS homolog 6; plus strand). Cytogenetic location: 2p16.3.
Variant type: single nucleotide variant.
Coding change: c.3988C>G on transcript NM_000179.3 (MANE Select); coding-DNA position 3988, C replaced by G.
Protein change: p.Leu1330Val; replaces leucine 1330 with valine.
Molecular consequence: missense variant.
Genome position (GRCh38, 1-based): chr2:47,806,638, C>G. VCF-style: chr2-47806638-C-G. GRCh37 (hg19) VCF-style: chr2-48033777-C-G.
Other names: c.3598C>G, p.Leu1200Val (NM_001281492.2); c.3082C>G, p.Leu1028Val (NM_001281493.2, NM_001281494.2); short protein forms L1330V, L1028V, L1200V.
Identifiers: ClinVar variation 410491 (VCV000410491.30), dbSNP rs768944975, ClinGen allele CA16610987.

ClinVar aggregate classification (germline): Conflicting classifications of pathogenicity. Review status: criteria provided, conflicting classifications (1 of 4 stars). 8 submissions from 8 submitters: Uncertain significance (7); Likely benign (1). Last evaluated 2025-12-31.

Conditions:
Hereditary cancer-predisposing syndrome. Also called: Tumor predisposition; Hereditary Cancer Syndrome; Hereditary neoplastic syndrome; Neoplastic Syndromes, Hereditary. Identifiers: Orphanet 140162, MedGen C0027672, MeSH D009386, MONDO:0015356.
Lynch syndrome. Identifiers: Orphanet 144, MedGen C4552100, MONDO:0005835. Disease mechanism: loss of function.
Mismatch repair cancer syndrome 3. Identifiers: MedGen C5436807, MONDO:0030841, OMIM 619097.
Hereditary nonpolyposis colorectal neoplasms. Identifiers: MedGen C0009405, MeSH D003123.
Endometrial carcinoma. Also called: Endometrial carcinoma, somatic. Identifiers: MedGen C0476089, MONDO:0002447, OMIM 608089, HP:0012114.

Allele frequency attached by ClinVar (database versions not stated): TOPMed below 0.00001.
gnomAD v4.1: 13 of 1,610,050 alleles (0.00081%); highest among the groups gnomAD compares: South Asian, 0.0011%; no homozygotes.

Submissions (8):

Labcorp Genetics (formerly Invitae), Labcorp
Classification: Likely benign for Hereditary nonpolyposis colorectal neoplasms. Last evaluated: 2025-12-31. Review status: criteria provided, single submitter. Criteria: Invitae Variant Classification Sherloc (09022015). Collection method: clinical testing. Allele origin: germline.

Ambry Genetics
Classification: Uncertain significance for Hereditary cancer-predisposing syndrome. Last evaluated: 2025-10-21. Review status: criteria provided, single submitter. Criteria: Ambry Variant Classification Scheme 2023. Collection method: clinical testing. Allele origin: germline.
Comment: The p.L1330V variant (also known as c.3988C>G), located in coding exon 9 of the MSH6 gene, results from a C to G substitution at nucleotide position 3988. The leucine at codon 1330 is replaced by valine, an amino acid with highly similar properties. This amino acid position is highly conserved in available vertebrate species. In addition, the in silico prediction for this alteration is inconclusive. Based on the available evidence, the clinical significance of this variant remains unclear.

Quest Diagnostics Nichols Institute San Juan Capistrano
Classification: Uncertain significance. Last evaluated: 2025-08-13. Review status: criteria provided, single submitter. Criteria: Quest Diagnostics criteria. Collection method: clinical testing. Allele origin: unknown.
Comment: The MSH6 c.3988C>G (p.Leu1330Val) variant has been reported in the published literature in individuals with breast cancer (PMID: 29700634 (2018)) as well as reportedly unaffected individuals (PMID: 33471991 (2021), see also LOVD). The frequency of this variant in the general population (Genome Aggregation Database) is uninformative in the assessment of its pathogenicity. Analysis of this variant using bioinformatics tools for the prediction of the effect of amino acid changes on protein structure and function yielded predictions that this variant is benign. Based on the available information, we are unable to determine the clinical significance of this variant.

Color Diagnostics, LLC DBA Color Health
Classification: Uncertain significance for Hereditary cancer-predisposing syndrome. Last evaluated: 2025-02-03. Review status: criteria provided, single submitter. Criteria: ACMG Guidelines, 2015. Collection method: clinical testing. Allele origin: germline.
Comment: This missense variant replaces leucine with valine at codon 1330 of the MSH6 protein. Computational prediction is inconclusive regarding the impact of this variant on protein structure and function (internally defined REVEL score threshold 0.5 < inconclusive < 0.7, PMID: 27666373). To our knowledge, functional studies have not been reported for this variant. This variant has not been reported in individuals affected with MSH6-related disorders in the literature. This variant has not been identified in the general population by the Genome Aggregation Database (gnomAD). The available evidence is insufficient to determine the role of this variant in disease conclusively. Therefore, this variant is classified as a Variant of Uncertain Significance.

Department of Pathology and Laboratory Medicine, Sinai Health System
Classification: Uncertain significance for Mismatch repair cancer syndrome 3. Last evaluated: 2024-12-30. Review status: criteria provided, single submitter. Criteria: ACMG Guidelines, 2015. Collection method: clinical testing. Allele origin: germline. Affected: yes.

All of Us Research Program, National Institutes of Health
Classification: Uncertain significance for Lynch syndrome. Last evaluated: 2023-12-18. Review status: criteria provided, single submitter. Criteria: ACMG Guidelines, 2015. Collection method: clinical testing. Allele origin: germline. Inheritance: Autosomal dominant inheritance. Observed: 3 variant alleles, 3 heterozygotes.
Comment: This missense variant replaces leucine with valine at codon 1330 of the MSH6 protein. Computational prediction is inconclusive regarding the impact of this variant on protein structure and function (internally defined REVEL score threshold 0.5 < inconclusive < 0.7, PMID: 27666373). To our knowledge, functional studies have not been reported for this variant. This variant has not been reported in individuals affected with MSH6-related disorders in the literature. This variant has been identified in 1/246308 chromosomes in the general population by the Genome Aggregation Database (gnomAD). The available evidence is insufficient to determine the role of this variant in disease conclusively. Therefore, this variant is classified as a Variant of Uncertain Significance.

This study involves interpretation of variants in research participants for the purpose of population health screening. Participant phenotype was not available at the time of variant classification. Additional details can be found in publication PMID: 35346344, PMCID: PMC8962531

Baylor Genetics
Classification: Uncertain significance for Endometrial carcinoma. Last evaluated: 2023-08-26. Review status: criteria provided, single submitter. Criteria: ACMG Guidelines, 2015. Collection method: clinical testing. Allele origin: unknown.

GeneDx
Classification: Uncertain significance. Last evaluated: 2021-04-28. Review status: criteria provided, single submitter. Criteria: GeneDx Variant Classification Process June 2021. Collection method: clinical testing. Allele origin: germline. Affected: yes.
Comment: Not observed at a significant frequency in large population cohorts (Lek et al., 2016); In silico analysis supports that this missense variant does not alter protein structure/function; Observed in individuals with a personal or family history of breast cancer in published literature (Kaur 2018); This variant is associated with the following publications: (PMID: 29700634)

Literature cited by the submitters: PubMed 29700634 (cited by 3 submitters); PubMed 33471991 (cited by Quest Diagnostics Nichols Institute San Juan Capistrano).